The following is an entry in ClinVar:

NM_000373.4(UMPS):c.*5014C>T

Gene: UMPS (uridine monophosphate synthetase; plus strand). Cytogenetic location: 3q21.2.
Variant type: single nucleotide variant.
Coding change: c.*5014C>T on transcript NM_000373.4 (MANE Select); 5014 bases downstream of the stop codon, C replaced by T.
Molecular consequence: 3 prime UTR variant. On other transcripts: non-coding transcript variant (2).
Genome position (GRCh38, 1-based): chr3:124,749,098, C>T. VCF-style: chr3-124749098-C-T. GRCh37 (hg19) VCF-style: chr3-124467945-C-T.
Identifiers: ClinVar variation 343043 (VCV000343043.5), dbSNP rs569469184, ClinGen allele CA2582202.

ClinVar aggregate classification (germline): Benign (1 of 4 stars; one submission).

Conditions:
Oroticaciduria. Also called: Orotic aciduria. Identifiers: Orphanet 30, MedGen C0268128, HP:0003218.

Allele frequency attached by ClinVar (database versions not stated): 1000 Genomes Project 0.00260; gnomAD 0.00001 and 0.00044; TOPMed 0.00005; 1000 Genomes Project 30x 0.00312; gnomAD exomes 0.00205 and 0.00243; ExAC 0.00901.
gnomAD v4.1: 775 of 454,066 alleles (0.17%); highest among the groups gnomAD compares: South Asian, 1.1%; 8 homozygotes.

Submission:

Illumina Laboratory Services, Illumina
Classification: Benign for Hereditary orotic aciduria. Last evaluated: 2018-01-12. Review status: criteria provided, single submitter. Criteria: ICSL Variant Classification Criteria 13 December 2019. Collection method: clinical testing. Allele origin: germline.
Comment: This variant was observed in the ICSL laboratory as part of a predisposition screen in an ostensibly healthy population. It had not been previously curated by ICSL or reported in the Human Gene Mutation Database (HGMD: prior to June 1st, 2018), and was therefore a candidate for classification through an automated scoring system. Utilizing variant allele frequency, disease prevalence and penetrance estimates, and inheritance mode, an automated score was calculated to assess if this variant is too frequent to cause the disease. Based on the score and internal cut-off values, a variant classified as benign is not then subjected to further curation. The score for this variant resulted in a classification of benign for this disease.